The following is an entry in ClinVar:

ClinVar aggregate classification (germline): Likely benign (1 of 4 stars; one submission).

Allele frequency attached by ClinVar (database versions not stated): TOPMed below 0.00001; ExAC 0.00001; gnomAD exomes 0.00001.
gnomAD v4.1: 3 of 1,614,014 alleles (0.00019%); highest among the groups gnomAD compares: East Asian, 0.0022%; no homozygotes.

Submission:

CeGaT Center for Human Genetics Tuebingen
Classification: Likely benign. Last evaluated: 2022-07-01. Review status: criteria provided, single submitter. Criteria: CeGaT Center For Human Genetics Tuebingen Variant Classification Criteria Version 2. Collection method: clinical testing. Allele origin: germline. Affected: yes. Observed: 1 variant allele.
Comment: GDF5: BP4, BP7; GDF5-AS1: BP4, BP7

NM_000557.5(GDF5):c.1095C>T (p.Asp365=)

Genes: GDF5 (growth differentiation factor 5; minus strand), GDF5-AS1 (GDF5 antisense RNA 1; plus strand). Cytogenetic location: 20q11.22.
Variant type: single nucleotide variant.
Coding change: c.1095C>T on transcript NM_000557.5 (MANE Select); coding-DNA position 1095, C replaced by T.
Protein change: p.Asp365=; no amino-acid change (aspartic acid 365 retained).
Molecular consequence: synonymous variant. On other transcripts: non-coding transcript variant (1).
Genome position (GRCh38, 1-based): chr20:35,434,320, G>A on the plus strand (C>T on the coding strand, the complement: GDF5 is on the minus strand). VCF-style: chr20-35434320-G-A. GRCh37 (hg19) VCF-style: chr20-34022118-G-A.
Other names: c.1095C>T, p.Asp365= (NM_001319138.2).
Identifiers: ClinVar variation 2652280 (VCV002652280.24), dbSNP rs777100364, ClinGen allele CA9832167.